The following is an entry in ClinVar:

NM_004646.4(NPHS1):c.608+1G>T

Gene: NPHS1 (NPHS1 adhesion molecule, nephrin; minus strand). Cytogenetic location: 19q13.12.
Variant type: single nucleotide variant.
Coding change: c.608+1G>T on transcript NM_004646.4 (MANE Select); the canonical splice donor site of the intron after coding-DNA position 608, G replaced by T.
Molecular consequence: splice donor variant.
Genome position (GRCh38, 1-based): chr19:35,850,363, C>A on the plus strand (G>T on the coding strand, the complement: NPHS1 is on the minus strand). VCF-style: chr19-35850363-C-A. GRCh37 (hg19) VCF-style: chr19-36341265-C-A.
Identifiers: ClinVar variation 1518708 (VCV001518708.8), dbSNP rs2146829967, ClinGen allele CA405408806.

ClinVar aggregate classification (germline): Likely pathogenic (1 of 4 stars; one submission).

Submission:

Labcorp Genetics (formerly Invitae), Labcorp
Classification: Likely pathogenic. Last evaluated: 2021-04-18. Review status: criteria provided, single submitter. Criteria: Invitae Variant Classification Sherloc (09022015). Collection method: clinical testing. Allele origin: germline.
Comment: This sequence change affects a donor splice site in intron 5 of the NPHS1 gene. It is expected to disrupt RNA splicing. Variants that disrupt the donor or acceptor splice site typically lead to a loss of protein function (PMID: 16199547), and loss-of-function variants in NPHS1 are known to be pathogenic (PMID: 11317351, 11854170, 12039988). In summary, the currently available evidence indicates that the variant is pathogenic, but additional data are needed to prove that conclusively. Therefore, this variant has been classified as Likely Pathogenic. Algorithms developed to predict the effect of sequence changes on RNA splicing suggest that this variant may disrupt the consensus splice site, but this prediction has not been confirmed by published transcriptional studies. This variant has not been reported in the literature in individuals with NPHS1-related conditions. This variant is not present in population databases (ExAC no frequency).

Literature cited by the submitters: PubMed 16199547; PubMed 11317351; PubMed 11854170; PubMed 12039988.